The following is an entry in ClinVar:

ClinVar aggregate classification (germline): Uncertain significance (1 of 4 stars; one submission).

Conditions:
Hereditary spastic paraplegia 64. Also called: ENTPD1-Related Neurodevelopmental Disorder; Spastic paraplegia 64, autosomal recessive. Identifiers: Orphanet 401810, MedGen C3810289, MONDO:0014303, OMIM 615683.

gnomAD v4.1: 1 of 1,614,188 alleles (0.000062%); highest among the groups gnomAD compares: South Asian, 0.0011%; no homozygotes.

Submission:

Labcorp Genetics (formerly Invitae), Labcorp
Classification: Uncertain significance for Hereditary spastic paraplegia 64. Last evaluated: 2024-10-05. Review status: criteria provided, single submitter. Criteria: Invitae Variant Classification Sherloc (09022015). Collection method: clinical testing. Allele origin: germline.
Comment: This sequence change replaces threonine, which is neutral and polar, with isoleucine, which is neutral and non-polar, at codon 203 of the ENTPD1 protein (p.Thr203Ile). This variant is present in population databases (rs760712214, gnomAD 0.0009%). This variant has not been reported in the literature in individuals affected with ENTPD1-related conditions. An algorithm developed to predict the effect of missense changes on protein structure and function (PolyPhen-2) suggests that this variant is likely to be tolerated. In summary, the available evidence is currently insufficient to determine the role of this variant in disease. Therefore, it has been classified as a Variant of Uncertain Significance.

NM_001776.6(ENTPD1):c.608C>T (p.Thr203Ile)

Genes: ENTPD1-AS1 (ENTPD1 antisense RNA 1; minus strand), ENTPD1 (ectonucleoside triphosphate diphosphohydrolase 1; plus strand). Cytogenetic location: 10q24.1.
Variant type: single nucleotide variant.
Coding change: c.608C>T on transcript NM_001776.6 (MANE Select); coding-DNA position 608, C replaced by T.
Protein change: p.Thr203Ile; replaces threonine 203 with isoleucine.
Molecular consequence: missense variant.
Genome position (GRCh38, 1-based): chr10:95,845,391, C>T. VCF-style: chr10-95845391-C-T. GRCh37 (hg19) VCF-style: chr10-97605148-C-T.
Other names: c.644C>T, p.Thr215Ile (NM_001320916.1, NM_001164178.1); c.629C>T, p.Thr210Ile (NM_001098175.2); c.608C>T, p.Thr203Ile (NM_001164179.2); c.284C>T, p.Thr95Ile (NM_001164181.1, NM_001312654.1); c.194C>T, p.Thr65Ile (NM_001164182.2, NM_001164183.2); short protein forms T210I, T65I, T203I, T95I, T215I.
Identifiers: ClinVar variation 3702975 (VCV003702975.2).
Genomic context (GRCh38, chr10:95,845,391, plus strand): 5'-GCACTGGTAACTGTACTGTCTTTCAGAAAACAAGGTGGTTCAGCATAGTCCCATATGAAA[C>T]CAATAATCAGGAAACCTTTGGAGCTTTGGACCTTGGGGGAGCCTCTACACAAGTCACTTT-3'
Protein context (NP_001767.3, residues 193-213): TRWFSIVPYE[Thr203Ile]NNQETFGALD